The following is an entry in ClinVar:

ClinVar aggregate classification (germline): Uncertain significance (1 of 4 stars; one submission).

Conditions:
Brugada syndrome. Also called: Sudden unexpected nocturnal death syndrome; Sudden Unexplained Death Syndrome; Sudden Unexplained Nocturnal Death Syndrome (SUNDS); Sudden unexplained nocturnal death syndrome. Identifiers: Orphanet 130, MedGen C1142166, MONDO:0015263.

gnomAD v4.1: 3 of 1,613,520 alleles (0.00019%); highest among the groups gnomAD compares: South Asian, 0.0011%; no homozygotes.

Submission:

Labcorp Genetics (formerly Invitae), Labcorp
Classification: Uncertain significance for Brugada syndrome. Last evaluated: 2026-01-04. Review status: criteria provided, single submitter. Criteria: Invitae Variant Classification Sherloc (09022015). Collection method: clinical testing. Allele origin: germline.
Comment: This sequence change affects an acceptor splice site in intron 22 of the SCN10A gene. It is expected to disrupt RNA splicing. Variants that disrupt the donor or acceptor splice site typically lead to a loss of protein function (PMID: 16199547), however the current clinical and genetic evidence is not sufficient to establish whether loss-of-function variants in SCN10A cause disease. This variant is not present in population databases (gnomAD no frequency). This variant has not been reported in the literature in individuals affected with SCN10A-related conditions. Algorithms developed to predict the effect of sequence changes on RNA splicing suggest that this variant may disrupt the consensus splice site. In summary, the available evidence is currently insufficient to determine the role of this variant in disease. Therefore, it has been classified as a Variant of Uncertain Significance.

Literature cited by the submitters: PubMed 16199547.

NM_006514.4(SCN10A):c.4090-1G>A

Gene: SCN10A (sodium voltage-gated channel alpha subunit 10; minus strand). Cytogenetic location: 3p22.2.
Variant type: single nucleotide variant.
Coding change: c.4090-1G>A on transcript NM_006514.4 (MANE Select); the canonical splice acceptor site of the intron before coding-DNA position 4090, G replaced by A.
Molecular consequence: splice acceptor variant.
Genome position (GRCh38, 1-based): chr3:38,710,898, C>T on the plus strand (G>A on the coding strand, the complement: SCN10A is on the minus strand). VCF-style: chr3-38710898-C-T. GRCh37 (hg19) VCF-style: chr3-38752389-C-T.
Other names: c.3796-1G>A (NM_001293307.2); c.4087-1G>A (NM_001293306.2).
Identifiers: ClinVar variation 4767279 (VCV004767279.1).